The following is an entry in ClinVar:

ClinVar aggregate classification (germline): Uncertain significance (1 of 4 stars; one submission).

Allele frequency attached by ClinVar (database versions not stated): gnomAD exomes below 0.00001; TOPMed 0.00001.

Submission:

Labcorp Genetics (formerly Invitae), Labcorp
Classification: Uncertain significance. Last evaluated: 2021-09-17. Review status: criteria provided, single submitter. Criteria: Invitae Variant Classification Sherloc (09022015). Collection method: clinical testing. Allele origin: germline.
Comment: This sequence change replaces leucine with phenylalanine at codon 2591 of the CDH23 protein (p.Leu2591Phe). The leucine residue is highly conserved and there is a small physicochemical difference between leucine and phenylalanine. This variant is not present in population databases (ExAC no frequency). This variant has not been reported in the literature in individuals affected with CDH23-related conditions. Algorithms developed to predict the effect of missense changes on protein structure and function are either unavailable or do not agree on the potential impact of this missense change (SIFT: "Deleterious"; PolyPhen-2: "Not Available"; Align-GVGD: "Class C0"). In summary, the available evidence is currently insufficient to determine the role of this variant in disease. Therefore, it has been classified as a Variant of Uncertain Significance.

NM_022124.6(CDH23):c.7771C>T (p.Leu2591Phe)

Gene: CDH23 (cadherin related 23; plus strand). Cytogenetic location: 10q22.1.
Variant type: single nucleotide variant.
Coding change: c.7771C>T on transcript NM_022124.6 (MANE Select); coding-DNA position 7771, C replaced by T.
Protein change: p.Leu2591Phe; replaces leucine 2591 with phenylalanine.
Molecular consequence: missense variant.
Genome position (GRCh38, 1-based): chr10:71,803,319, C>T. VCF-style: chr10-71803319-C-T. GRCh37 (hg19) VCF-style: chr10-73563076-C-T.
Other names: c.1051C>T, p.Leu351Phe (NM_001171933.1, NM_001171934.1); short protein forms L351F, L2591F.
Identifiers: ClinVar variation 1415259 (VCV001415259.5), dbSNP rs1023704878, ClinGen allele CA209472729.